The following is an entry in ClinVar:

ClinVar aggregate classification (germline): Uncertain significance (1 of 4 stars; one submission).

Conditions:
Cohen syndrome (COH1). Also called: Cutis verticis gyrata, retinitis pigmentosa, and sensorineural deafness; PEPPER SYNDROME. Identifiers: Orphanet 193, MedGen C0265223, MONDO:0008999, OMIM 216550.

Submission:

Labcorp Genetics (formerly Invitae), Labcorp
Classification: Uncertain significance for Cohen syndrome. Last evaluated: 2022-09-27. Review status: criteria provided, single submitter. Criteria: Invitae Variant Classification Sherloc (09022015). Collection method: clinical testing. Allele origin: germline.
Comment: This sequence change replaces glycine, which is neutral and non-polar, with cysteine, which is neutral and slightly polar, at codon 942 of the VPS13B protein (p.Gly942Cys). This variant also falls at the last nucleotide of exon 19, which is part of the consensus splice site for this exon. This variant is not present in population databases (gnomAD no frequency). This variant has not been reported in the literature in individuals affected with VPS13B-related conditions. ClinVar contains an entry for this variant (Variation ID: 1499007). Algorithms developed to predict the effect of missense changes on protein structure and function are either unavailable or do not agree on the potential impact of this missense change (SIFT: "Not Available"; PolyPhen-2: "Probably Damaging"; Align-GVGD: "Not Available"). Variants that disrupt the consensus splice site are a relatively common cause of aberrant splicing (PMID: 17576681, 9536098). Algorithms developed to predict the effect of sequence changes on RNA splicing suggest that this variant may disrupt the consensus splice site. In summary, the available evidence is currently insufficient to determine the role of this variant in disease. Therefore, it has been classified as a Variant of Uncertain Significance.

Literature cited by the submitters: PubMed 17576681; PubMed 9536098.

NM_152564.5(VPS13B):c.2824G>T (p.Gly942Cys)

Gene: VPS13B (vacuolar protein sorting 13 homolog B; plus strand). Cytogenetic location: 8q22.2.
Variant type: single nucleotide variant.
Coding change: c.2824G>T on transcript NM_152564.5 (MANE Select); coding-DNA position 2824, G replaced by T.
Protein change: p.Gly942Cys; replaces glycine 942 with cysteine.
Molecular consequence: missense variant.
Genome position (GRCh38, 1-based): chr8:99,275,254, G>T. VCF-style: chr8-99275254-G-T. GRCh37 (hg19) VCF-style: chr8-100287482-G-T.
Other names: c.2824G>T, p.Gly942Cys (NM_017890.5); short protein forms G942C.
Identifiers: ClinVar variation 1499007 (VCV001499007.8), dbSNP rs370336663, ClinGen allele CA371862923.